The following is an entry in ClinVar:

NM_020117.11(LARS1):c.1232C>T (p.Ala411Val)

Gene: LARS1 (leucyl-tRNA synthetase 1; minus strand). Cytogenetic location: 5q32.
Variant type: single nucleotide variant.
Coding change: c.1232C>T on transcript NM_020117.11 (MANE Select); coding-DNA position 1232, C replaced by T.
Protein change: p.Ala411Val; replaces alanine 411 with valine.
Molecular consequence: missense variant.
Genome position (GRCh38, 1-based): chr5:146,153,226, G>A on the plus strand (C>T on the coding strand, the complement: LARS1 is on the minus strand). VCF-style: chr5-146153226-G-A. GRCh37 (hg19) VCF-style: chr5-145532789-G-A.
Other names: c.1094C>T, p.Ala365Val (NM_001317964.2); c.1070C>T, p.Ala357Val (NM_001317965.2); c.1151C>T, p.Ala384Val (NM_016460.4); short protein forms A411V, A365V, A357V, A384V.
Identifiers: ClinVar variation 3117881 (VCV003117881.2), dbSNP rs200513146, ClinGen allele CA3489684.

ClinVar aggregate classification (germline): Uncertain significance. Review status: criteria provided, multiple submitters, no conflicts (2 of 4 stars). 2 submissions from 2 submitters: Uncertain significance (2). Last evaluated 2024-04-16.

Allele frequency attached by ClinVar (database versions not stated): gnomAD exomes 0.00003; ExAC 0.00005; 1000 Genomes Project 30x 0.00016; 1000 Genomes Project 0.00020; gnomAD 0.00020; TOPMed 0.00033.
gnomAD v4.1: 82 of 1,611,642 alleles (0.0051%); highest among the groups gnomAD compares: Admixed American, 0.073%; no homozygotes.

Submissions (2):

GeneDx
Classification: Uncertain significance. Last evaluated: 2024-04-16. Review status: criteria provided, single submitter. Criteria: GeneDx Variant Classification Process June 2021. Collection method: clinical testing. Allele origin: germline. Affected: yes.
Comment: In silico analysis indicates that this missense variant does not alter protein structure/function; Has not been previously published as pathogenic or benign to our knowledge

Ambry Genetics
Classification: Uncertain significance. Last evaluated: 2023-10-27. Review status: criteria provided, single submitter. Criteria: Ambry Variant Classification Scheme 2023. Collection method: clinical testing. Allele origin: germline.